The following is an entry in ClinVar:

ClinVar aggregate classification (germline): Conflicting classifications of pathogenicity. Review status: criteria provided, conflicting classifications (1 of 4 stars). 2 submissions from 1 submitter: Uncertain significance (1); Benign (1). Last evaluated 2018-01-12.

Conditions:
Tangier disease (TGD). Also called: HIGH DENSITY LIPOPROTEIN DEFICIENCY, TANGIER TYPE; HIGH DENSITY LIPOPROTEIN DEFICIENCY, TYPE 1; Cholesterol thesaurismosis. Identifiers: Orphanet 31150, MedGen C0039292, MONDO:0008783, OMIM 205400.
Hypoalphalipoproteinemia, primary, 1. Identifiers: Orphanet 425, MedGen C5231558, MONDO:0011393, OMIM 604091.

Allele frequency attached by ClinVar (database versions not stated): TOPMed 0.00013; gnomAD 0.00015 and 0.00018; 1000 Genomes Project 0.00040.
gnomAD v4.1: 26 of 149,694 alleles (0.017%); highest among the groups gnomAD compares: South Asian, 0.17%; 1 homozygote.

Submissions (2):

Illumina Laboratory Services, Illumina
Classification: Benign for Hypoalphalipoproteinemia, primary, 1. Last evaluated: 2018-01-12. Review status: criteria provided, single submitter. Criteria: ICSL Variant Classification Criteria 13 December 2019. Collection method: clinical testing. Allele origin: germline.
Comment: This variant was observed in the ICSL laboratory as part of a predisposition screen in an ostensibly healthy population. It had not been previously curated by ICSL or reported in the Human Gene Mutation Database (HGMD: prior to June 1st, 2018), and was therefore a candidate for classification through an automated scoring system. Utilizing variant allele frequency, disease prevalence and penetrance estimates, and inheritance mode, an automated score was calculated to assess if this variant is too frequent to cause the disease. Based on the score and internal cut-off values, a variant classified as benign is not then subjected to further curation. The score for this variant resulted in a classification of benign for this disease.

Illumina Laboratory Services, Illumina
Classification: Uncertain significance for Tangier disease. Last evaluated: 2018-01-12. Review status: criteria provided, single submitter. Criteria: ICSL Variant Classification Criteria 13 December 2019. Collection method: clinical testing. Allele origin: germline.

NM_005502.4(ABCA1):c.*2907A>C

Genes: ABCA1 (ATP binding cassette subfamily A member 1; minus strand), NIPSNAP3B (nipsnap homolog 3B; plus strand). Cytogenetic location: 9q31.1.
Variant type: single nucleotide variant.
Coding change: c.*2907A>C on transcript NM_005502.4 (MANE Select); 2907 bases downstream of the stop codon, A replaced by C.
Molecular consequence: 3 prime UTR variant.
Genome position (GRCh38, 1-based): chr9:104,781,408, T>G on the plus strand (A>C on the coding strand, the complement: ABCA1 is on the minus strand). VCF-style: chr9-104781408-T-G. GRCh37 (hg19) VCF-style: chr9-107543689-T-G.
Identifiers: ClinVar variation 364327 (VCV000364327.5), dbSNP rs551547276, ClinGen allele CA10631899.